The following is an entry in ClinVar:

ClinVar aggregate classification (germline): Likely benign (0 of 4 stars; one submission).

Conditions:
TBC1D8B-related disorder. Also called: TBC1D8B-related condition.

Submission:

PreventionGenetics, part of Exact Sciences
Classification: Likely benign for TBC1D8B-related condition. Last evaluated: 2020-01-21. Review status: no assertion criteria provided. Collection method: clinical testing. Allele origin: germline.
Comment: This variant is classified as likely benign based on ACMG/AMP sequence variant interpretation guidelines (Richards et al. 2015 PMID: 25741868, with internal and published modifications).

NM_017752.3(TBC1D8B):c.1838-786_1838-783del

Gene: TBC1D8B (TBC1 domain family member 8B; plus strand). Cytogenetic location: Xq22.3.
Variant type: Deletion.
Coding change: c.1838-786_1838-783del on transcript NM_017752.3 (MANE Select); 786 bases into the intron before coding-DNA position 1838 through 783 bases into the intron before coding-DNA position 1838, 4 bases deleted (TTTT; older notation c.1838-786_1838-783delTTTT).
Molecular consequence: intron variant.
Genome position (GRCh38, 1-based): chrX:106,849,239-106,849,242, TTTT deleted; deleting any 4 consecutive bases within chrX:106,849,221-106,849,242 gives the same sequence; the c. name uses the placement nearest the transcript's 3' end. VCF-style (leftmost placement, unchanged base first): chrX-106849220-ATTTT-A. GRCh37 (hg19) VCF-style: chrX-106092450-ATTTT-A.
Other names: c.1838-6_1838-3del (NM_198881.2).
Identifiers: ClinVar variation 3037811 (VCV003037811.2), dbSNP rs761948032, ClinGen allele CA10483232.